The following is an entry in ClinVar:

NM_000258.3(MYL3):c.320A>G (p.Lys107Arg)

Gene: MYL3 (myosin light chain 3; minus strand). Cytogenetic location: 3p21.31.
Variant type: single nucleotide variant.
Coding change: c.320A>G on transcript NM_000258.3 (MANE Select); coding-DNA position 320, A replaced by G.
Protein change: p.Lys107Arg; replaces lysine 107 with arginine.
Molecular consequence: missense variant.
Genome position (GRCh38, 1-based): chr3:46,859,636, T>C on the plus strand (A>G on the coding strand, the complement: MYL3 is on the minus strand). VCF-style: chr3-46859636-T-C. GRCh37 (hg19) VCF-style: chr3-46901126-T-C.
Other names: short protein forms K107R.
Identifiers: ClinVar variation 924491 (VCV000924491.7), dbSNP rs1701969420, ClinGen allele CA352496877.

ClinVar aggregate classification (germline): Uncertain significance. Review status: criteria provided, multiple submitters, no conflicts (2 of 4 stars). 2 submissions from 2 submitters: Uncertain significance (2). Last evaluated 2025-08-11.

Conditions:
Cardiomyopathy (CMYO). Also called: Cardiomyopathies. Identifiers: Orphanet 167848, MedGen C0878544, MONDO:0004994, HP:0001638. Inheritance: Various modes of inheritance.
Hypertrophic cardiomyopathy. Also called: HYPERTROPHIC MYOCARDIOPATHY. Identifiers: Orphanet 217569, MedGen C0007194, MeSH D002312, MONDO:0005045, HP:0001639.

Submissions (2):

Labcorp Genetics (formerly Invitae), Labcorp
Classification: Uncertain significance for Hypertrophic cardiomyopathy. Last evaluated: 2025-08-11. Review status: criteria provided, single submitter. Criteria: Invitae Variant Classification Sherloc (09022015). Collection method: clinical testing. Allele origin: germline.
Comment: This sequence change replaces lysine, which is basic and polar, with arginine, which is basic and polar, at codon 107 of the MYL3 protein (p.Lys107Arg). This variant is not present in population databases (gnomAD no frequency). This variant has not been reported in the literature in individuals affected with MYL3-related conditions. ClinVar contains an entry for this variant (Variation ID: 924491). An algorithm developed to predict the effect of missense changes on protein structure and function (PolyPhen-2) suggests that this variant is likely to be disruptive. In summary, the available evidence is currently insufficient to determine the role of this variant in disease. Therefore, it has been classified as a Variant of Uncertain Significance.

Color Diagnostics, LLC DBA Color Health
Classification: Uncertain significance for Cardiomyopathy. Last evaluated: 2023-12-04. Review status: criteria provided, single submitter. Criteria: ACMG Guidelines, 2015. Collection method: clinical testing. Allele origin: germline.
Comment: Variant of Uncertain Significance due to insufficient evidence: This missense variant replaces lysine with arginine at codon 107 of the MYL3 protein. Computational prediction tools and conservation analyses are inconclusive regarding the impact of this variant on the protein function. Computational splicing tools suggest that this variant may not impact RNA splicing. To our knowledge, functional assays have not been performed for this variant nor has this variant been reported in individuals affected with cardiovascular disorders in the literature. This variant is rare in the general population and has been identified in 0/277264 chromosomes by the Genome Aggregation Database (gnomAD). Available evidence is insufficient to determine the role of this variant in disease conclusively.